The following is an entry in ClinVar:

NM_001253.4(CDC5L):c.917A>T (p.Glu306Val)

Gene: CDC5L (cell division cycle 5 like; plus strand). Cytogenetic location: 6p21.1.
Variant type: single nucleotide variant.
Coding change: c.917A>T on transcript NM_001253.4 (MANE Select); coding-DNA position 917, A replaced by T.
Protein change: p.Glu306Val; replaces glutamic acid 306 with valine.
Molecular consequence: missense variant.
Genome position (GRCh38, 1-based): chr6:44,408,457, A>T. VCF-style: chr6-44408457-A-T. GRCh37 (hg19) VCF-style: chr6-44376194-A-T.
Other names: short protein forms E306V.
Identifiers: ClinVar variation 4993310 (VCV004993310.1).

ClinVar aggregate classification (germline): Uncertain significance (1 of 4 stars; one submission).

Conditions:
CDC5L-related disorder. Also called: CDC5L-related condition.

gnomAD v4.1: 2 of 1,611,130 alleles (0.00012%); highest among the groups gnomAD compares: Non-Finnish European, 0.00017%; no homozygotes.

Submission:

PreventionGenetics, part of Exact Sciences
Classification: Uncertain significance for CDC5L-related condition. Last evaluated: 2026-03-18. Review status: criteria provided, single submitter. Criteria: ACMG Guidelines, 2015. Collection method: clinical testing. Allele origin: germline.
Comment: The CDC5L c.917A>T variant is predicted to result in the amino acid substitution p.Glu306Val. To our knowledge, this variant has not been reported in the literature or in a large population database (gnomAD), indicating this variant is rare. At this time, the clinical significance of this variant is uncertain due to the absence of conclusive functional and genetic evidence.